The following is an entry in ClinVar:

NM_003998.4(NFKB1):c.2749+4A>C

Gene: NFKB1 (nuclear factor kappa B subunit 1; plus strand). Cytogenetic location: 4q24.
Variant type: single nucleotide variant.
Coding change: c.2749+4A>C on transcript NM_003998.4 (MANE Select); 4 bases into the intron after coding-DNA position 2749, A replaced by C.
Molecular consequence: intron variant.
Genome position (GRCh38, 1-based): chr4:102,613,585, A>C. VCF-style: chr4-102613585-A-C. GRCh37 (hg19) VCF-style: chr4-103534742-A-C.
Other names: c.2749+4A>C (NM_001382626.1, NM_001382625.1, NM_003998.3); c.2746+4A>C (NM_001382627.1, NM_001165412.2, NM_001319226.2); c.2707+4A>C (NM_001382628.1).
Identifiers: ClinVar variation 1545949 (VCV001545949.26), dbSNP rs561940368, ClinGen allele CA3026513.

ClinVar aggregate classification (germline): Benign/Likely benign. Review status: criteria provided, multiple submitters, no conflicts (2 of 4 stars). 3 submissions from 3 submitters: Benign (1); Likely benign (1). 1 of the submissions does not count toward it. Last evaluated 2025-09-10.

Conditions:
NFKB1-related disorder. Also called: NFKB1-related condition.

Allele frequency attached by ClinVar (database versions not stated): TOPMed 0.00003; gnomAD 0.00011; gnomAD exomes 0.00042; ExAC 0.00047; 1000 Genomes Project 0.00120; 1000 Genomes Project 30x 0.00125.
gnomAD v4.1: 303 of 1,611,150 alleles (0.019%); highest among the groups gnomAD compares: South Asian, 0.33%; 4 homozygotes.

Submissions (4):

Labcorp Genetics (formerly Invitae), Labcorp
Classification: Benign. Last evaluated: 2025-09-10. Review status: criteria provided, single submitter. Criteria: Invitae Variant Classification Sherloc (09022015). Collection method: clinical testing. Allele origin: germline.

CeGaT Center for Human Genetics Tuebingen
Classification: Likely benign. Last evaluated: 2024-07-01. Review status: criteria provided, single submitter. Criteria: CeGaT Center For Human Genetics Tuebingen Variant Classification Criteria Version 2. Collection method: clinical testing. Allele origin: germline. Affected: yes. Observed: 1 variant allele.
Comment: NFKB1: BP4, BS1

PreventionGenetics, part of Exact Sciences
Classification: Likely benign for NFKB1-related condition. Last evaluated: 2024-08-12. Review status: no assertion criteria provided. Collection method: clinical testing. Allele origin: germline. Not counted in ClinVar's aggregate classification.
Comment: This variant is classified as likely benign based on ACMG/AMP sequence variant interpretation guidelines (Richards et al. 2015 PMID: 25741868, with internal and published modifications).

Dr. Peter K. Rogan Lab, Western University
No classification provided (evidence only). Condition: Gastric cancer. Review status: no classification provided. Collection method: in vitro. Allele origin: not applicable. Functional consequence: retained intron. Not counted in ClinVar's aggregate classification.